The following is an entry in ClinVar:

NM_014244.5(ADAMTS2):c.1445C>T (p.Pro482Leu)

Gene: ADAMTS2 (ADAM metallopeptidase with thrombospondin type 1 motif 2; minus strand). Cytogenetic location: 5q35.3.
Variant type: single nucleotide variant.
Coding change: c.1445C>T on transcript NM_014244.5 (MANE Select); coding-DNA position 1445, C replaced by T.
Protein change: p.Pro482Leu; replaces proline 482 with leucine.
Molecular consequence: missense variant.
Genome position (GRCh38, 1-based): chr5:179,153,561, G>A on the plus strand (C>T on the coding strand, the complement: ADAMTS2 is on the minus strand). VCF-style: chr5-179153561-G-A. GRCh37 (hg19) VCF-style: chr5-178580562-G-A.
Other names: c.1445C>T, p.Pro482Leu (NM_021599.4); short protein forms P482L.
Identifiers: ClinVar variation 3690902 (VCV003690902.1).

ClinVar aggregate classification (germline): Uncertain significance (1 of 4 stars; one submission).

Conditions:
Ehlers-Danlos syndrome, dermatosparaxis type. Also called: Dermatosparaxis; Ehlers-Danlos syndrome, type VII, autosomal recessive; EDS VIIC. Identifiers: Orphanet 1901, MedGen C2700425, MONDO:0009161, OMIM 225410.

gnomAD v4.1: 34 of 1,609,894 alleles (0.0021%); highest among the groups gnomAD compares: East Asian, 0.051%; no homozygotes.

Submission:

Labcorp Genetics (formerly Invitae), Labcorp
Classification: Uncertain significance for Ehlers-Danlos syndrome, dermatosparaxis type. Last evaluated: 2024-08-28. Review status: criteria provided, single submitter. Criteria: Invitae Variant Classification Sherloc (09022015). Collection method: clinical testing. Allele origin: germline.
Comment: This sequence change replaces proline, which is neutral and non-polar, with leucine, which is neutral and non-polar, at codon 482 of the ADAMTS2 protein (p.Pro482Leu). The frequency data for this variant in the population databases is considered unreliable, as metrics indicate poor data quality at this position in the gnomAD database. This variant has not been reported in the literature in individuals affected with ADAMTS2-related conditions. An algorithm developed to predict the effect of missense changes on protein structure and function (PolyPhen-2) suggests that this variant is likely to be disruptive. In summary, the available evidence is currently insufficient to determine the role of this variant in disease. Therefore, it has been classified as a Variant of Uncertain Significance.